The following is an entry in ClinVar:

ClinVar aggregate classification (germline): Conflicting classifications of pathogenicity. Review status: criteria provided, conflicting classifications (1 of 4 stars). 3 submissions from 3 submitters: Uncertain significance (2); Likely benign (1). Last evaluated 2021-05-17.

Conditions:
Diamond-Blackfan anemia. Also called: Blackfan Diamond syndrome; Aregenerative anemia chronic congenital; Red cell aplasia, pure hereditary; Congenital hypoplastic anemia; Aase syndrome. Identifiers: Orphanet 124, MedGen C1260899, MeSH D029503, MONDO:0015253, HP:0004810.
Diamond-Blackfan anemia 1 (DBA1). Also called: RPS19-Related Diamond-Blackfan Anemia; BLACKFAN-DIAMOND SYNDROME; ANEMIA, CONGENITAL HYPOPLASTIC, OF BLACKFAN AND DIAMOND; ANEMIA, CONGENITAL ERYTHROID HYPOPLASTIC; RED CELL APLASIA, PURE, HEREDITARY; AREGENERATIVE ANEMIA, CHRONIC CONGENITAL. Identifiers: Orphanet 124, MedGen C2676137, MONDO:0007110, OMIM 105650.

Submissions (3):

Labcorp Genetics (formerly Invitae), Labcorp
Classification: Uncertain significance for Diamond-Blackfan anemia. Last evaluated: 2021-05-17. Review status: criteria provided, single submitter. Criteria: Invitae Variant Classification Sherloc (09022015). Collection method: clinical testing. Allele origin: germline.
Comment: This variant is not present in population databases (ExAC no frequency). This sequence change falls in intron 2 of the RPS19 gene. It does not directly change the encoded amino acid sequence of the RPS19 protein. This variant has not been reported in the literature in individuals with RPS19-related conditions. ClinVar contains an entry for this variant (Variation ID: 509474). Algorithms developed to predict the effect of sequence changes on RNA splicing suggest that this variant may create or strengthen a splice site, but this prediction has not been confirmed by published transcriptional studies. In summary, the available evidence is currently insufficient to determine the role of this variant in disease. Therefore, it has been classified as a Variant of Uncertain Significance.

Baylor Genetics
Classification: Uncertain significance for Diamond-Blackfan anemia 1. Last evaluated: 2021-01-23. Review status: criteria provided, single submitter. Criteria: ACMG Guidelines, 2015. Collection method: clinical testing. Allele origin: unknown.

GeneDx
Classification: Likely benign. Last evaluated: 2017-05-15. Review status: criteria provided, single submitter. Criteria: GeneDx Variant Classification (06012015). Collection method: clinical testing. Allele origin: germline. Affected: yes.
Comment: This variant is considered likely benign or benign based on one or more of the following criteria: it is a conservative change, it occurs at a poorly conserved position in the protein, it is predicted to be benign by multiple in silico algorithms, and/or has population frequency not consistent with disease.

NM_001022.4(RPS19):c.72-15C>G

Genes: RPS19 (ribosomal protein S19; plus strand), RPS19-CD79A (RPS19-CD79A readthrough; plus strand). Cytogenetic location: 19q13.2.
Variant type: single nucleotide variant.
Coding change: c.72-15C>G on transcript NM_001022.4 (MANE Select); 15 bases into the intron before coding-DNA position 72, C replaced by G.
Molecular consequence: intron variant.
Genome position (GRCh38, 1-based): chr19:41,861,097, C>G. VCF-style: chr19-41861097-C-G. GRCh37 (hg19) VCF-style: chr19-42365166-C-G.
Other names: c.72-15C>G (NM_001321484.2, NM_001321485.2, NM_001321483.2).
Identifiers: ClinVar variation 509474 (VCV000509474.10), dbSNP rs530537278, ClinGen allele CA658799235.